The following is an entry in ClinVar:

ClinVar aggregate classification (germline): Uncertain significance. Review status: criteria provided, multiple submitters, no conflicts (2 of 4 stars). 2 submissions from 2 submitters: Uncertain significance (2). Last evaluated 2023-10-13.

Conditions:
Inborn genetic diseases. Identifiers: MedGen C0950123, MeSH D030342.

Allele frequency attached by ClinVar (database versions not stated): gnomAD exomes 0.00001 and 0.00003; TOPMed 0.00002; ExAC 0.00003.

Submissions (2):

Labcorp Genetics (formerly Invitae), Labcorp
Classification: Uncertain significance. Last evaluated: 2023-10-13. Review status: criteria provided, single submitter. Criteria: Invitae Variant Classification Sherloc (09022015). Collection method: clinical testing. Allele origin: germline.
Comment: This sequence change replaces cysteine, which is neutral and slightly polar, with arginine, which is basic and polar, at codon 204 of the GFER protein (p.Cys204Arg). This variant is present in population databases (rs767293111, gnomAD 0.02%). This variant has not been reported in the literature in individuals affected with GFER-related conditions. ClinVar contains an entry for this variant (Variation ID: 1521769). An algorithm developed to predict the effect of missense changes on protein structure and function (PolyPhen-2) suggests that this variant is likely to be disruptive. In summary, the available evidence is currently insufficient to determine the role of this variant in disease. Therefore, it has been classified as a Variant of Uncertain Significance.

Ambry Genetics
Classification: Uncertain significance for Inborn genetic diseases. Last evaluated: 2022-08-30. Review status: criteria provided, single submitter. Criteria: Ambry Variant Classification Scheme 2023. Collection method: clinical testing. Allele origin: germline.

NM_005262.3(GFER):c.610T>C (p.Cys204Arg)

Gene: GFER (growth factor, augmenter of liver regeneration; plus strand). Cytogenetic location: 16p13.3.
Variant type: single nucleotide variant.
Coding change: c.610T>C on transcript NM_005262.3 (MANE Select); coding-DNA position 610, T replaced by C.
Protein change: p.Cys204Arg; replaces cysteine 204 with arginine.
Molecular consequence: missense variant.
Genome position (GRCh38, 1-based): chr16:1,986,020, T>C. VCF-style: chr16-1986020-T-C. GRCh37 (hg19) VCF-style: chr16-2036021-T-C.
Other names: c.610T>C (NM_005262.2); short protein forms C204R.
Identifiers: ClinVar variation 1521769 (VCV001521769.7), dbSNP rs767293111, ClinGen allele CA7826110.